The following is an entry in ClinVar:

NM_001371928.1(AHDC1):c.2759C>A (p.Thr920Asn)

Gene: AHDC1 (AT-hook DNA binding motif containing 1; minus strand). Cytogenetic location: 1p36.11.
Variant type: single nucleotide variant.
Coding change: c.2759C>A on transcript NM_001371928.1 (MANE Select); coding-DNA position 2759, C replaced by A.
Protein change: p.Thr920Asn; replaces threonine 920 with asparagine.
Molecular consequence: missense variant.
Genome position (GRCh38, 1-based): chr1:27,549,357, G>T on the plus strand (C>A on the coding strand, the complement: AHDC1 is on the minus strand). VCF-style: chr1-27549357-G-T. GRCh37 (hg19) VCF-style: chr1-27875868-G-T.
Other names: c.2759C>A, p.Thr920Asn (NM_001029882.3); short protein forms T920N.
Identifiers: ClinVar variation 3648685 (VCV003648685.2).
Genomic context (GRCh38, chr1:27,549,357, plus strand): 5'-GCCCGGCAGTCTGAAGCGGCTGGAGTTAGCCCATAGCTTGCTGCTCGTCCTGGTGGGAAG[G>T]TCTGGCGCGCGGACAGGACAGGCTGAAAGGAGGGGTCCGCCCCAGCCCCGCTGCTACCCA-3'
Protein context (NP_001358857.1, residues 910-930): SFQPVLSARQ[Thr920Asn]FPPGRAASYG

ClinVar aggregate classification (germline): Uncertain significance (1 of 4 stars; one submission).

Submission:

Labcorp Genetics (formerly Invitae), Labcorp
Classification: Uncertain significance. Last evaluated: 2024-05-23. Review status: criteria provided, single submitter. Criteria: Invitae Variant Classification Sherloc (09022015). Collection method: clinical testing. Allele origin: germline.
Comment: This sequence change replaces threonine, which is neutral and polar, with asparagine, which is neutral and polar, at codon 920 of the AHDC1 protein (p.Thr920Asn). This variant is not present in population databases (gnomAD no frequency). This variant has not been reported in the literature in individuals affected with AHDC1-related conditions. An algorithm developed to predict the effect of missense changes on protein structure and function (PolyPhen-2) suggests that this variant is likely to be disruptive. In summary, the available evidence is currently insufficient to determine the role of this variant in disease. Therefore, it has been classified as a Variant of Uncertain Significance.